The following is an entry in ClinVar:

ClinVar aggregate classification (germline): Uncertain significance (1 of 4 stars; one submission).

Conditions:
Hereditary cancer-predisposing syndrome. Also called: Neoplastic Syndromes, Hereditary; Hereditary Cancer Syndrome; Tumor predisposition; Hereditary neoplastic syndrome. Identifiers: Orphanet 140162, MedGen C0027672, MeSH D009386, MONDO:0015356.

Submission:

Ambry Genetics
Classification: Uncertain significance for Hereditary cancer-predisposing syndrome. Last evaluated: 2025-02-10. Review status: criteria provided, single submitter. Criteria: Ambry Variant Classification Scheme 2023. Collection method: clinical testing. Allele origin: germline.
Comment: The c.551_552delATinsGC variant (also known as p.D184G), located in coding exon 7 of the SMARCE1 gene, results from an in-frame deletion of AT and insertion of GC at nucleotide positions 551 to 552. This results in the substitution of the aspartic acid residue for a glycine residue at codon 184, an amino acid with similar properties. This amino acid position is highly conserved in available vertebrate species. In addition, the in silico prediction for this alteration is inconclusive. Based on the available evidence, the clinical significance of this variant remains unclear.

NM_003079.5(SMARCE1):c.551_552delinsGC (p.Asp184Gly)

Gene: SMARCE1 (SWI/SNF related BAF chromatin remodeling complex subunit E1; minus strand). Cytogenetic location: 17q21.2.
Variant type: Indel.
Coding change: c.551_552delinsGC on transcript NM_003079.5 (MANE Select); coding-DNA positions 551 to 552, AT replaced by GC.
Protein change: p.Asp184Gly; replaces aspartic acid 184 with glycine.
Molecular consequence: missense variant.
Genome position (GRCh38, 1-based): chr17:40,632,357-40,632,358, AT replaced by GC on the plus strand (AT replaced by GC on the coding strand, the reverse complement: SMARCE1 is on the minus strand). VCF-style: chr17-40632357-AT-GC. GRCh37 (hg19) VCF-style: chr17-38788609-AT-GC.
Other names: short protein forms D184G.
Identifiers: ClinVar variation 3799018 (VCV003799018.1).
Genomic context (GRCh38, chr17:40,632,357, plus strand): 5'-ACTGATGAGGCGGTGGTTTCTCTGGAAACGGGCGGTGGCTGTATGCTTCATTGAAAAGCC[AT>GC]CATCATAATCTGGAGTGAACAAATTGTTCTGGAAATCAGGTCACCAGTAACCATAAAAAG-3'
Protein context (NP_003070.3, residues 174-194): QPAEDPDDYD[Asp184Gly]GFSMKHTATA